The following is an entry in ClinVar:

NM_001005361.3(DNM2):c.2313G>A (p.Pro771=)

Gene: DNM2 (dynamin 2; plus strand). Cytogenetic location: 19p13.2.
Variant type: single nucleotide variant.
Coding change: c.2313G>A on transcript NM_001005361.3 (MANE Select); coding-DNA position 2313, G replaced by A.
Protein change: p.Pro771=; no amino-acid change (proline 771 retained).
Molecular consequence: synonymous variant.
Genome position (GRCh38, 1-based): chr19:10,830,148, G>A. VCF-style: chr19-10830148-G-A. GRCh37 (hg19) VCF-style: chr19-10940824-G-A.
Other names: c.2313G>A, p.Pro771= (NM_001005360.3, NM_001190716.2); c.2301G>A, p.Pro767= (NM_001005362.3, NM_004945.4).
Identifiers: ClinVar variation 327988 (VCV000327988.24), dbSNP rs147463138, ClinGen allele CA9201589.

ClinVar aggregate classification (germline): Benign/Likely benign. Review status: criteria provided, multiple submitters, no conflicts (2 of 4 stars). 8 submissions from 7 submitters: Benign (2); Likely benign (5). 1 of the submissions does not count toward it. Last evaluated 2025-12-24.

Conditions:
DNM2-related disorder. Also called: DNM2-related condition.
Inborn genetic diseases. Identifiers: MedGen C0950123, MeSH D030342.
Autosomal dominant centronuclear myopathy. Also called: Myopathy, centronuclear, 3; MYOTUBULAR MYOPATHY, AUTOSOMAL DOMINANT. Identifiers: Orphanet 169189, MedGen C4551952, MeSH D020914, MONDO:0008048, OMIM 160150.
Charcot-Marie-Tooth disease dominant intermediate B (CMTDIB). Also called: CHARCOT-MARIE-TOOTH NEUROPATHY, DOMINANT INTERMEDIATE B; Charcot-Marie-Tooth disease dominant intermediate 1; CMT DI1; Charcot-Marie-Tooth disease dominant intermediate I. Identifiers: Orphanet 100044, Orphanet 228179, MedGen C1847902, MONDO:0011674, OMIM 606482.

Allele frequency attached by ClinVar (database versions not stated): ESP Exome Variant Server 0.00008; TOPMed 0.00008; gnomAD 0.00009; ExAC 0.00011; gnomAD exomes 0.00012 and 0.00019.
gnomAD v4.1: 308 of 1,613,708 alleles (0.019%); highest among the groups gnomAD compares: Non-Finnish European, 0.023%; no homozygotes.

Submissions (8):

Labcorp Genetics (formerly Invitae), Labcorp
Classification: Likely benign for Charcot-Marie-Tooth disease dominant intermediate B. Last evaluated: 2025-12-24. Review status: criteria provided, single submitter. Criteria: Invitae Variant Classification Sherloc (09022015). Collection method: clinical testing. Allele origin: germline.

Women's Health and Genetics/Laboratory Corporation of America, LabCorp
Classification: Benign. Last evaluated: 2025-06-02. Review status: criteria provided, single submitter. Criteria: LabCorp Variant Classification Summary - May 2015. Collection method: clinical testing. Allele origin: germline.

Blueprint Genetics
Classification: Likely benign. Last evaluated: 2023-03-23. Review status: criteria provided, single submitter. Criteria: ACMG Guidelines, 2015. Collection method: clinical testing. Allele origin: germline.

GeneDx
Classification: Likely benign. Last evaluated: 2021-06-28. Review status: criteria provided, single submitter. Criteria: GeneDx Variant Classification Process June 2021. Collection method: clinical testing. Allele origin: germline. Affected: yes.

Ambry Genetics
Classification: Likely benign for Inborn genetic diseases. Last evaluated: 2019-07-11. Review status: criteria provided, single submitter. Criteria: Ambry Variant Classification Scheme 2023. Collection method: clinical testing. Allele origin: germline.

Illumina Laboratory Services, Illumina
Classification: Benign for Charcot-Marie-Tooth disease dominant intermediate B. Last evaluated: 2018-01-12. Review status: criteria provided, single submitter. Criteria: ICSL Variant Classification Criteria 13 December 2019. Collection method: clinical testing. Allele origin: germline.
Comment: This variant was observed in the ICSL laboratory as part of a predisposition screen in an ostensibly healthy population. It had not been previously curated by ICSL or reported in the Human Gene Mutation Database (HGMD: prior to June 1st, 2018), and was therefore a candidate for classification through an automated scoring system. Utilizing variant allele frequency, disease prevalence and penetrance estimates, and inheritance mode, an automated score was calculated to assess if this variant is too frequent to cause the disease. Based on the score and internal cut-off values, a variant classified as benign is not then subjected to further curation. The score for this variant resulted in a classification of benign for this disease.

Illumina Laboratory Services, Illumina
Classification: Likely benign for Autosomal dominant centronuclear myopathy. Last evaluated: 2018-01-12. Review status: criteria provided, single submitter. Criteria: ICSL Variant Classification Criteria 13 December 2019. Collection method: clinical testing. Allele origin: germline.
Comment: This variant was observed in the ICSL laboratory as part of a predisposition screen in an ostensibly healthy population. It had not been previously curated by ICSL or reported in the Human Gene Mutation Database (HGMD: prior to June 1st, 2018), and was therefore a candidate for classification through an automated scoring system. Utilizing variant allele frequency, disease prevalence and penetrance estimates, and inheritance mode, an automated score was calculated to assess if this variant is too frequent to cause the disease. Based on the score and internal cut-off values, a variant classified as likely benign is not then subjected to further curation. The score for this variant resulted in a classification of likely benign for this disease.

PreventionGenetics, part of Exact Sciences
Classification: Likely benign for DNM2-related condition. Last evaluated: 2023-07-20. Review status: no assertion criteria provided. Collection method: clinical testing. Allele origin: germline. Not counted in ClinVar's aggregate classification.
Comment: This variant is classified as likely benign based on ACMG/AMP sequence variant interpretation guidelines (Richards et al. 2015 PMID: 25741868, with internal and published modifications).